The following is an entry in ClinVar:

NM_000545.8(HNF1A):c.1849G>A (p.Val617Ile)

Genes: C12orf43 (chromosome 12 open reading frame 43; minus strand), HNF1A (HNF1 homeobox A; plus strand). Cytogenetic location: 12q24.31.
Variant type: single nucleotide variant.
Coding change: c.1849G>A on transcript NM_000545.8 (MANE Select); coding-DNA position 1849, G replaced by A.
Protein change: p.Val617Ile; replaces valine 617 with isoleucine.
Molecular consequence: missense variant. On other transcripts: 3 prime UTR variant (3).
Genome position (GRCh38, 1-based): chr12:121,001,145, G>A. VCF-style: chr12-121001145-G-A. GRCh37 (hg19) VCF-style: chr12-121438948-G-A.
Other names: NM_000545.8(HNF1A):c.1849G>A; p.Val617Ile; c.*3008C>T (NM_001286191.2, NM_001286196.2, NM_022895.3); c.1870G>A, p.Val624Ile (NM_001306179.2); c.1657G>A, p.Val553Ile (NM_001406915.1); short protein forms V617I, V624I, V553I.
Identifiers: ClinVar variation 972765 (VCV000972765.9), dbSNP rs146855738, ClinGen allele CA6832205.

ClinVar aggregate classification (germline): Benign. Review status: reviewed by expert panel (3 of 4 stars). 6 submissions from 6 submitters: Benign (1). 5 of the submissions do not count toward it. Last evaluated 2022-05-02.

Conditions:
Monogenic diabetes. Identifiers: Orphanet 183625, MedGen C3888631, MONDO:0015967.
Maturity-onset diabetes of the young type 3. Also called: MODY type 3; MODY, type III. Identifiers: Orphanet 552, MedGen C1838100, MeSH C563933, MONDO:0010894, OMIM 600496. Disease mechanism: loss of function.
Diabetes mellitus type 1 (T1D). Also called: Diabetes Mellitus, Juvenile-Onset; Type I diabetes mellitus. Identifiers: MedGen C0011854, MONDO:0005147, OMIM 222100, HP:0100651.
Type 2 diabetes mellitus. Also called: Type II diabetes mellitus. Identifiers: MedGen C0011860, MeSH D003924, MONDO:0005148, OMIM 125853, HP:0005978.
Hepatic adenomas, familial. Also called: LIVER CELL ADENOMAS, FAMILIAL; HEPATIC ADENOMA, SOMATIC. Identifiers: MedGen C1840646, MONDO:0007718, OMIM 142330.
Type 1 diabetes mellitus 20 (T1D20). Also called: Diabetes mellitus, insulin-dependent, 20. Identifiers: MedGen C2675866, MONDO:0012919, OMIM 612520.
Nonpapillary renal cell carcinoma. Identifiers: Orphanet 422526, MedGen CN074294, MONDO:0007763, OMIM 144700.

Allele frequency attached by ClinVar (database versions not stated): ExAC 0.00001; gnomAD 0.00005 and 0.00006; ESP Exome Variant Server 0.00008; TOPMed 0.00008.
gnomAD v4.1: 59 of 1,613,968 alleles (0.0037%); highest among the groups gnomAD compares: Non-Finnish European, 0.0043%; no homozygotes.

Submissions (6):

ClinGen Monogenic Diabetes Variant Curation Expert Panel
Classification: Benign for Monogenic diabetes. Last evaluated: 2022-05-02. Review status: reviewed by expert panel. Criteria: ClinGen Diabetes ACMG Specifications v1 1. Collection method: curation. Allele origin: germline. Inheritance: Autosomal dominant inheritance.
Comment: The c.1849G>A variant in the HNF1 homeobox A gene, HNF1A, causes an amino acid change of valine to isoleucine at codon 617 (p.(Val617Ile)) of NM_000545.8. This variant has a Popmax Filtering allele frequency in gnomAD 2.1.1 of 0.00003429, which is greater than the MDEP threshold for BS1 (greater than or equal to 0.000033) (BS1). This variant was identified in an individual with a clinical history highly specific for HNF1A-MODY (MODY probability calculator result >50%, negative genetic testing for HNF4A) (PP4; internal lab contributors). This variant was identified in two unrelated individuals with non-autoimmune and non-absolute/near-absolute insulin-deficient diabetes; however, PS4_Moderate cannot be applied because this number is below the ClinGen MDEP threshold, and PM2_Supporting is not met (PMID: 12488962, internal lab contributors). This variant segregated with diabetes with one informative meiosis in a single family; however, this does not meet the thresholds for PP1 set by the ClinGen MDEP (PMIDs: 27236918, 12488962). Transactivation activity (COS-7 cells) was 63% of wildtype, which was between ClinGen MDEP thresholds for PS3_Supporting and BS3_Supporting (PMID: 12488962). In summary, c.1849G>A meets the criteria to be classified as benign for monogenic diabetes. ACMG/AMP criteria applied, as specified by the ClinGen MDEP (specification version 1.1, approved 9/30/2021): BS1, BS2, PP4.

Labcorp Genetics (formerly Invitae), Labcorp
Classification: Uncertain significance. Last evaluated: 2024-08-12. Review status: criteria provided, single submitter. Criteria: Invitae Variant Classification Sherloc (09022015). Collection method: clinical testing. Allele origin: germline. Not counted in ClinVar's aggregate classification.
Comment: This sequence change replaces valine, which is neutral and non-polar, with isoleucine, which is neutral and non-polar, at codon 617 of the HNF1A protein (p.Val617Ile). This variant is present in population databases (rs146855738, gnomAD 0.007%). This missense change has been observed in individual(s) with HNF1A-related conditions (PMID: 12488962). ClinVar contains an entry for this variant (Variation ID: 972765). Advanced modeling of protein sequence and biophysical properties (such as structural, functional, and spatial information, amino acid conservation, physicochemical variation, residue mobility, and thermodynamic stability) has been performed at Invitae for this missense variant, however the output from this modeling did not meet the statistical confidence thresholds required to predict the impact of this variant on HNF1A protein function. In summary, the available evidence is currently insufficient to determine the role of this variant in disease. Therefore, it has been classified as a Variant of Uncertain Significance.

Fulgent Genetics
Classification: Uncertain significance for Type 2 diabetes mellitus; Hepatic adenomas, familial; Nonpapillary renal cell carcinoma; Diabetes mellitus type 1; Maturity-onset diabetes of the young type 3; Type 1 diabetes mellitus 20. Last evaluated: 2024-06-24. Review status: criteria provided, single submitter. Criteria: ACMG Guidelines, 2015. Collection method: clinical testing. Allele origin: germline. Not counted in ClinVar's aggregate classification.

Broad Center for Mendelian Genomics, Broad Institute of MIT and Harvard
Classification: Uncertain significance for Maturity-onset diabetes of the young type 3. Last evaluated: 2020-01-22. Review status: criteria provided, single submitter. Criteria: ACMG Guidelines, 2015. Collection method: curation. Allele origin: germline. Inheritance: Autosomal dominant inheritance. Not counted in ClinVar's aggregate classification.
Comment: The p.Val617Ile variant in HNF1A has been reported in 2 Japanese individuals with MODY (PMID: 12488962) and another variant of unknown significance in cis, but has been identified in 0.007% (9/128784) of European (non-Finnish) chromosomes and 0.004% (1/24946) of African chromosomes by the Genome Aggregation Database (gnomAD; dbSNP rs146855738). In vitro functional studies provide some evidence that the p.Val617Ile variant may slightly impact protein function (PMID: 12488962). However, these types of assays may not accurately represent biological function. Computational prediction tools and conservation analyses do not provide strong support for or against an impact to the protein. In summary, the clinical significance of the p.Val617Ile variant is uncertain. ACMG/AMP Criteria applied: BS1, PS3_supporting (Richards 2015).

Clinical Genetics DNA and cytogenetics Diagnostics Lab, Erasmus MC, Erasmus Medical Center
Classification: Uncertain significance. Review status: no assertion criteria provided. Collection method: clinical testing. Allele origin: germline. Affected: yes. Study: VKGL Data-share Consensus. Not counted in ClinVar's aggregate classification.

Laboratory of Diagnostic Genome Analysis, Leiden University Medical Center (LUMC)
Classification: Uncertain significance. Review status: no assertion criteria provided. Collection method: clinical testing. Allele origin: germline. Affected: yes. Study: VKGL Data-share Consensus. Not counted in ClinVar's aggregate classification.

Literature cited by the submitters: PubMed 12488962 (cited by Labcorp Genetics (formerly Invitae), Labcorp and Broad Center for Mendelian Genomics, Broad Institute of MIT and Harvard).